The following is an entry in ClinVar:

NM_178857.6(RP1L1):c.346C>T (p.Pro116Ser)

Gene: RP1L1 (RP1 like 1). Cytogenetic location: 8p23.1.
Variant type: single nucleotide variant.
Coding change: c.346C>T on transcript NM_178857.6 (MANE Select); coding-DNA position 346, C replaced by T.
Protein change: p.Pro116Ser; replaces proline 116 with serine.
Molecular consequence: missense variant.
Genome position (GRCh38, 1-based): chr8:10,622,856, G>A on the plus strand (C>T on the coding strand, the complement: RP1L1 is on the minus strand). VCF-style: chr8-10622856-G-A. GRCh37 (hg19) VCF-style: chr8-10480366-G-A.
Other names: short protein forms P116S.
Identifiers: ClinVar variation 2990322 (VCV002990322.3), dbSNP rs923135152, ClinGen allele CA370300445.

ClinVar aggregate classification (germline): Uncertain significance (1 of 4 stars; one submission).

gnomAD v4.1: 5 of 1,612,956 alleles (0.00031%); highest among the groups gnomAD compares: African/African-American, 0.0013%; no homozygotes.

Submission:

Labcorp Genetics (formerly Invitae), Labcorp
Classification: Uncertain significance. Last evaluated: 2023-10-18. Review status: criteria provided, single submitter. Criteria: Invitae Variant Classification Sherloc (09022015). Collection method: clinical testing. Allele origin: germline.
Comment: This sequence change replaces proline, which is neutral and non-polar, with serine, which is neutral and polar, at codon 116 of the RP1L1 protein (p.Pro116Ser). This variant is present in population databases (no rsID available, gnomAD 0.0009%). This variant has not been reported in the literature in individuals affected with RP1L1-related conditions. Advanced modeling of protein sequence and biophysical properties (such as structural, functional, and spatial information, amino acid conservation, physicochemical variation, residue mobility, and thermodynamic stability) performed at Invitae indicates that this missense variant is not expected to disrupt RP1L1 protein function with a negative predictive value of 80%. In summary, the available evidence is currently insufficient to determine the role of this variant in disease. Therefore, it has been classified as a Variant of Uncertain Significance.